The following is an entry in ClinVar:

NM_017617.5(NOTCH1):c.77A>C (p.Gln26Pro)

Gene: NOTCH1 (notch receptor 1; minus strand). Cytogenetic location: 9q34.3.
Variant type: single nucleotide variant.
Coding change: c.77A>C on transcript NM_017617.5 (MANE Select); coding-DNA position 77, A replaced by C.
Protein change: p.Gln26Pro; replaces glutamine 26 with proline.
Molecular consequence: missense variant.
Genome position (GRCh38, 1-based): chr9:136,544,087, T>G on the plus strand (A>C on the coding strand, the complement: NOTCH1 is on the minus strand). VCF-style: chr9-136544087-T-G. GRCh37 (hg19) VCF-style: chr9-139438539-T-G.
Other names: short protein forms Q26P.
Identifiers: ClinVar variation 4755687 (VCV004755687.1).

ClinVar aggregate classification (germline): Uncertain significance (1 of 4 stars; one submission).

Submission:

GeneDx
Classification: Uncertain significance. Last evaluated: 2025-08-09. Review status: criteria provided, single submitter. Criteria: GeneDx Variant Classification Process June 2021. Collection method: clinical testing. Allele origin: germline. Affected: yes.
Comment: Not observed at significant frequency in large population cohorts (gnomAD); In silico analysis suggests that this missense variant does not alter protein structure/function; Has not been previously published as pathogenic or benign to our knowledge